The following is an entry in ClinVar:

ClinVar aggregate classification (germline): Likely benign (0 of 4 stars; one submission).

Conditions:
NIPAL3-related disorder. Also called: NIPAL3-related condition.

Allele frequency attached by ClinVar (database versions not stated): gnomAD exomes 0.00009; ExAC 0.00042; 1000 Genomes Project 30x 0.00078; 1000 Genomes Project 0.00080; gnomAD 0.00111; TOPMed 0.00118; ESP Exome Variant Server 0.00177.
gnomAD v4.1: 303 of 1,614,150 alleles (0.019%); highest among the groups gnomAD compares: African/African-American, 0.35%; no homozygotes.

Submission:

PreventionGenetics, part of Exact Sciences
Classification: Likely benign for NIPAL3-related condition. Last evaluated: 2019-07-31. Review status: no assertion criteria provided. Collection method: clinical testing. Allele origin: germline.
Comment: This variant is classified as likely benign based on ACMG/AMP sequence variant interpretation guidelines (Richards et al. 2015 PMID: 25741868, with internal and published modifications).

NM_020448.5(NIPAL3):c.666C>T (p.Ala222=)

Gene: NIPAL3 (NIPA like domain containing 3; plus strand). Cytogenetic location: 1p36.11.
Variant type: single nucleotide variant.
Coding change: c.666C>T on transcript NM_020448.5 (MANE Select); coding-DNA position 666, C replaced by T.
Protein change: p.Ala222=; no amino-acid change (alanine 222 retained).
Molecular consequence: synonymous variant. On other transcripts: non-coding transcript variant (1).
Genome position (GRCh38, 1-based): chr1:24,456,166, C>T. VCF-style: chr1-24456166-C-T. GRCh37 (hg19) VCF-style: chr1-24782656-C-T.
Other names: c.666C>T, p.Ala222= (NM_001322854.2, NM_001322855.2, NM_001322856.2 and 3 more transcripts); c.183C>T, p.Ala61= (NM_001322858.2, NM_001322859.2, NM_001322860.2 and 1 more transcripts); c.420C>T, p.Ala140= (NM_001322862.2, NM_001322863.2); c.663C>T, p.Ala221= (NM_001322864.2); c.639C>T, p.Ala213= (NM_001322866.2).
Identifiers: ClinVar variation 3050797 (VCV003050797.2), dbSNP rs112615347, ClinGen allele CA691089.